The following is an entry in ClinVar:

NM_000199.5(SGSH):c.617G>C (p.Arg206Pro)

Gene: SGSH (N-sulfoglucosamine sulfohydrolase; minus strand). Cytogenetic location: 17q25.3.
Variant type: single nucleotide variant.
Coding change: c.617G>C on transcript NM_000199.5 (MANE Select); coding-DNA position 617, G replaced by C.
Protein change: p.Arg206Pro; replaces arginine 206 with proline.
Molecular consequence: missense variant. On other transcripts: non-coding transcript variant (1).
Genome position (GRCh38, 1-based): chr17:80,214,218, C>G on the plus strand (G>C on the coding strand, the complement: SGSH is on the minus strand). VCF-style: chr17-80214218-C-G. GRCh37 (hg19) VCF-style: chr17-78188017-C-G.
Other names: c.617G>C, p.Arg206Pro (NM_001352921.3, NM_001352922.2); short protein forms R206P.
Identifiers: ClinVar variation 5118 (VCV000005118.16), dbSNP rs104894643, ClinGen allele CA117265.

ClinVar aggregate classification (germline): Pathogenic/Likely pathogenic. Review status: criteria provided, multiple submitters, no conflicts (2 of 4 stars). 7 submissions from 7 submitters: Pathogenic (3); Likely pathogenic (2). 2 of the submissions do not count toward it. Last evaluated 2023-07-20.

Conditions:
Mucopolysaccharidosis, MPS-III-A (MPS3A). Also called: Mucopolysaccharidosis, type IIIA; MPS III A; Mucopolysaccharidosis type IIIA (Sanfilippo A); SANFILIPPO SYNDROME A; SULFAMIDASE DEFICIENCY; mucopolysaccharidosis type 3A. Identifiers: Orphanet 581, Orphanet 79269, MedGen C0086647, MONDO:0009655, OMIM 252900.

Submissions (7):

Baylor Genetics
Classification: Pathogenic for Mucopolysaccharidosis, MPS-III-A. Last evaluated: 2023-07-20. Review status: criteria provided, single submitter. Criteria: ACMG Guidelines, 2015. Collection method: clinical testing. Allele origin: unknown.

Labcorp Genetics (formerly Invitae), Labcorp
Classification: Pathogenic for Mucopolysaccharidosis, MPS-III-A. Last evaluated: 2023-06-09. Review status: criteria provided, single submitter. Criteria: Invitae Variant Classification Sherloc (09022015). Collection method: clinical testing. Allele origin: germline.
Comment: For these reasons, this variant has been classified as Pathogenic. Experimental studies have shown that this missense change affects SGSH function (PMID: 15542396). Advanced modeling of protein sequence and biophysical properties (such as structural, functional, and spatial information, amino acid conservation, physicochemical variation, residue mobility, and thermodynamic stability) performed at Invitae indicates that this missense variant is not expected to disrupt SGSH protein function. ClinVar contains an entry for this variant (Variation ID: 5118). This missense change has been observed in individual(s) with mucopolysaccharidosis type III (PMID: 9744479, 15542396, 15637719). This variant is not present in population databases (gnomAD no frequency). This sequence change replaces arginine, which is basic and polar, with proline, which is neutral and non-polar, at codon 206 of the SGSH protein (p.Arg206Pro).

Dasa
Classification: Pathogenic for Mucopolysaccharidosis, MPS-III-A. Last evaluated: 2022-02-14. Review status: criteria provided, single submitter. Criteria: ACMG Guidelines, 2015. Collection method: clinical testing. Allele origin: germline. Affected: yes. Observed: 1 variant allele.
Comment: Well-established in vitro or in vivo functional studies supportive of a damaging effect on the gene or gene product (PMID: 15542396) - PS3_supporting. The c.617G>C;p.(Arg206Pro) missense variant has been observed in affected individual(s) and ClinVar contains an entry for this variant (Clinvar ID: 5118; PMID: 30809705; 15637719; 24314109; 15542396; 9744479) - PS4. This variant is not present in population databases (rs104894643, gnomAD; ABraOM no frequency) - PM2. The p.(Arg206Pro) was detected in trans with a pathogenic variant (PMID: 30809705; 15637719; 24314109; 15542396; 9744479) - PM3_strong. Multiple lines of computational evidence support a deleterious effect on the gene or gene product - PP3. In summary, the currently available evidence indicates that the variant is pathogenic.

Genome-Nilou Lab
Classification: Likely pathogenic for Mucopolysaccharidosis, MPS-III-A. Last evaluated: 2021-11-07. Review status: criteria provided, single submitter. Criteria: ACMG Guidelines, 2015. Collection method: clinical testing. Allele origin: germline. Affected: no.

Laboratory of Diagnosis and Therapy of Lysosomal Disorders, University of Padova
Classification: Likely pathogenic for Mucopolysaccharidosis, MPS-III-A. Last evaluated: 2019-01-01. Review status: criteria provided, single submitter. Criteria: ACMG Guidelines, 2015. Collection method: literature only. Allele origin: germline. Affected: yes.
Comment: PS3: Low/absent in vivo enzymatic activity in homozygote; Low in vitro enzymatic activity. PM2: Very low frequency in ExAc. PP5: reputable source report variant as pathogenic

Counsyl
Classification: Likely pathogenic for Mucopolysaccharidosis, MPS-III-A. Last evaluated: 2018-01-05. Review status: no assertion criteria provided. Collection method: clinical testing. Allele origin: unknown. Not counted in ClinVar's aggregate classification.

OMIM
Classification: Pathogenic for MUCOPOLYSACCHARIDOSIS, TYPE IIIA, ATTENUATED. Last evaluated: 2005-02-15. Review status: no assertion criteria provided. Collection method: literature only. Allele origin: germline. Not counted in ClinVar's aggregate classification.

Literature cited by the submitters: PubMed 15542396 (cited by 4 submitters); PubMed 9744479 (cited by 4 submitters); PubMed 15637719 (cited by 4 submitters); PubMed 30809705 (cited by Dasa and Laboratory of Diagnosis and Therapy of Lysosomal Disorders, University of Padova); PubMed 24314109 (cited by Dasa and Counsyl); PubMed 10727844 (cited by Counsyl).